The following is an entry in ClinVar:

NM_001267550.2(TTN):c.24041T>C (p.Ile8014Thr)

Gene: TTN (titin; minus strand). Cytogenetic location: 2q31.2.
Variant type: single nucleotide variant.
Coding change: c.24041T>C on transcript NM_001267550.2 (MANE Select); coding-DNA position 24041, T replaced by C.
Protein change: p.Ile8014Thr; replaces isoleucine 8014 with threonine.
Molecular consequence: missense variant. On other transcripts: intron variant (3).
Genome position (GRCh38, 1-based): chr2:178,719,349, A>G on the plus strand (T>C on the coding strand, the complement: TTN is on the minus strand). VCF-style: chr2-178719349-A-G. GRCh37 (hg19) VCF-style: chr2-179584076-A-G.
Other names: c.23090T>C, p.Ile7697Thr (NM_001256850.1); c.20309T>C, p.Ile6770Thr (NM_133378.4); c.13282+18733T>C (NM_003319.4); c.13858+18733T>C (NM_133437.4); c.13657+18733T>C (NM_133432.3); short protein forms I6770T, I7697T, I8014T.
Identifiers: ClinVar variation 4076499 (VCV004076499.1), dbSNP rs1415104830.

ClinVar aggregate classification (germline): Likely benign (1 of 4 stars; one submission).

gnomAD v4.1: 4 of 1,613,634 alleles (0.00025%); highest among the groups gnomAD compares: African/African-American, 0.004%; no homozygotes.

Submission:

Molecular Diagnostic Laboratory for Inherited Cardiovascular Disease, Montreal Heart Institute
Classification: Likely benign. Last evaluated: 2025-07-24. Review status: criteria provided, single submitter. Criteria: ACMG Guidelines, 2015. Collection method: clinical testing. Allele origin: germline. Affected: no.
Comment: BP1